The following is an entry in ClinVar:

NM_002485.5(NBN):c.2240A>G (p.Asn747Ser)

Gene: NBN (nibrin; minus strand). Cytogenetic location: 8q21.3.
Variant type: single nucleotide variant.
Coding change: c.2240A>G on transcript NM_002485.5 (MANE Select); coding-DNA position 2240, A replaced by G.
Protein change: p.Asn747Ser; replaces asparagine 747 with serine.
Molecular consequence: missense variant.
Genome position (GRCh38, 1-based): chr8:89,935,607, T>C on the plus strand (A>G on the coding strand, the complement: NBN is on the minus strand). VCF-style: chr8-89935607-T-C. GRCh37 (hg19) VCF-style: chr8-90947835-T-C.
Other names: c.1994A>G, p.Asn665Ser (NM_001024688.3); short protein forms N747S, N665S.
Identifiers: ClinVar variation 461549 (VCV000461549.19), dbSNP rs766237464, ClinGen allele CA4802561.

ClinVar aggregate classification (germline): Uncertain significance. Review status: criteria provided, multiple submitters, no conflicts (2 of 4 stars). 4 submissions from 4 submitters: Uncertain significance (4). Last evaluated 2025-09-02.

Conditions:
Hereditary cancer-predisposing syndrome. Also called: Hereditary neoplastic syndrome; Neoplastic Syndromes, Hereditary; Tumor predisposition; Hereditary Cancer Syndrome. Identifiers: Orphanet 140162, MedGen C0027672, MeSH D009386, MONDO:0015356.
Microcephaly, normal intelligence and immunodeficiency (NBS). Also called: IMMUNODEFICIENCY, MICROCEPHALY, AND CHROMOSOMAL INSTABILITY; SEEMANOVA SYNDROME II; Nijmegen breakage syndrome; Microcephaly with normal intelligence immunodeficiency and lymphoreticular malignancies; Nonsyndromal microcephaly autosomal recessive with normal intelligence; Seemanova syndrome 2. Identifiers: Orphanet 647, MedGen C0398791, MONDO:0009623, OMIM 251260.

Allele frequency attached by ClinVar (database versions not stated): gnomAD exomes below 0.00001; ExAC 0.00001.
gnomAD v4.1: 2 of 1,608,194 alleles (0.00012%); highest among the groups gnomAD compares: Non-Finnish European, 0.00017%; no homozygotes.

Submissions (5):

Labcorp Genetics (formerly Invitae), Labcorp
Classification: Uncertain significance for Microcephaly, normal intelligence and immunodeficiency. Last evaluated: 2025-09-02. Review status: criteria provided, single submitter. Criteria: Invitae Variant Classification Sherloc (09022015). Collection method: clinical testing. Allele origin: germline.
Comment: This sequence change replaces asparagine, which is neutral and polar, with serine, which is neutral and polar, at codon 747 of the NBN protein (p.Asn747Ser). The frequency data for this variant in the population databases is considered unreliable, as metrics indicate poor data quality at this position in the gnomAD database. This variant has not been reported in the literature in individuals affected with NBN-related conditions. ClinVar contains an entry for this variant (Variation ID: 461549). An algorithm developed to predict the effect of missense changes on protein structure and function (PolyPhen-2) suggests that this variant is likely to be disruptive. In summary, the available evidence is currently insufficient to determine the role of this variant in disease. Therefore, it has been classified as a Variant of Uncertain Significance.

Quest Diagnostics Nichols Institute San Juan Capistrano
Classification: Uncertain significance. Last evaluated: 2024-02-19. Review status: criteria provided, single submitter. Criteria: Quest Diagnostics criteria. Collection method: clinical testing. Allele origin: unknown.
Comment: The NBN c.2240A>G (p.Asn747Ser) variant has been reported in the published literature in an individual affected with an unspecified cancer (PMID: 36346689 (2023)). The frequency of this variant in the general population, 0.000004 (1/250440 chromosomes (Genome Aggregation Database)), is uninformative in the assessment of its pathogenicity. Analysis of this variant using bioinformatics tools for the prediction of the effect of amino acid changes on protein structure and function yielded conflicting predictions that this variant is benign or damaging. Based on the available information, we are unable to determine the clinical significance of this variant.

Ambry Genetics
Classification: Uncertain significance for Hereditary cancer-predisposing syndrome. Last evaluated: 2022-08-10. Review status: criteria provided, single submitter. Criteria: Ambry Variant Classification Scheme 2023. Collection method: clinical testing. Allele origin: germline.
Comment: The p.N747S variant (also known as c.2240A>G), located in coding exon 16 of the NBN gene, results from an A to G substitution at nucleotide position 2240. The asparagine at codon 747 is replaced by serine, an amino acid with highly similar properties. This amino acid position is well conserved in available vertebrate species. In addition, this alteration is predicted to be tolerated by in silico analysis. Since supporting evidence is limited at this time, the clinical significance of this alteration remains unclear.

Genome-Nilou Lab
Classification: Uncertain significance for Microcephaly, normal intelligence and immunodeficiency. Last evaluated: 2021-11-07. Review status: criteria provided, single submitter. Criteria: ACMG Guidelines, 2015. Collection method: clinical testing. Allele origin: germline. Affected: no.

Dr. Peter K. Rogan Lab, Western University
No classification provided (evidence only). Condition: Thyroid cancer, nonmedullary, 1. Review status: no classification provided. Collection method: in vitro. Allele origin: not applicable. Functional consequence: retained intron. Not counted in ClinVar's aggregate classification.

Literature cited by the submitters: PubMed 36346689 (cited by Quest Diagnostics Nichols Institute San Juan Capistrano).